The following is an entry in ClinVar:

NM_020778.5(ALPK3):c.2239C>T (p.Pro747Ser)

Gene: ALPK3 (alpha kinase 3; plus strand). Cytogenetic location: 15q25.3.
Variant type: single nucleotide variant.
Coding change: c.2239C>T on transcript NM_020778.5 (MANE Select); coding-DNA position 2239, C replaced by T.
Protein change: p.Pro747Ser; replaces proline 747 with serine.
Molecular consequence: missense variant.
Genome position (GRCh38, 1-based): chr15:84,856,977, C>T. VCF-style: chr15-84856977-C-T. GRCh37 (hg19) VCF-style: chr15-85400208-C-T.
Other names: short protein forms P747S.
Identifiers: ClinVar variation 1796765 (VCV001796765.5), dbSNP rs1963870203, ClinGen allele CA393356435.

ClinVar aggregate classification (germline): Uncertain significance. Review status: criteria provided, multiple submitters, no conflicts (2 of 4 stars). 2 submissions from 2 submitters: Uncertain significance (2). Last evaluated 2026-01-05.

Conditions:
Cardiovascular phenotype. Identifiers: MedGen CN230736.

Submissions (2):

Ambry Genetics
Classification: Uncertain significance for Cardiovascular phenotype. Last evaluated: 2026-01-05. Review status: criteria provided, single submitter. Criteria: Ambry Variant Classification Scheme 2023. Collection method: clinical testing. Allele origin: germline.

Labcorp Genetics (formerly Invitae), Labcorp
Classification: Uncertain significance. Last evaluated: 2025-04-17. Review status: criteria provided, single submitter. Criteria: Invitae Variant Classification Sherloc (09022015). Collection method: clinical testing. Allele origin: germline.
Comment: This sequence change replaces proline, which is neutral and non-polar, with serine, which is neutral and polar, at codon 949 of the ALPK3 protein (p.Pro949Ser). This variant is not present in population databases (gnomAD no frequency). This variant has not been reported in the literature in individuals affected with ALPK3-related conditions. ClinVar contains an entry for this variant (Variation ID: 1796765). Invitae Evidence Modeling of protein sequence and biophysical properties (such as structural, functional, and spatial information, amino acid conservation, physicochemical variation, residue mobility, and thermodynamic stability) indicates that this missense variant is not expected to disrupt ALPK3 protein function with a negative predictive value of 80%. In summary, the available evidence is currently insufficient to determine the role of this variant in disease. Therefore, it has been classified as a Variant of Uncertain Significance.